The following is an entry in ClinVar:

ClinVar aggregate classification (germline): Uncertain significance. Review status: criteria provided, multiple submitters, no conflicts (2 of 4 stars). 2 submissions from 2 submitters: Uncertain significance (2). Last evaluated 2025-12-10.

Conditions:
Shprintzen-Goldberg syndrome (SGS). Also called: Marfanoid disorder with craniosynostosis type 1; Marfanoid craniosynostosis syndrome; Shprintzen-Goldberg marfanoid syndrome; SHPRINTZEN-GOLDBERG CRANIOSYNOSTOSIS SYNDROME; CRANIOSYNOSTOSIS WITH ARACHNODACTYLY AND ABDOMINAL HERNIAS. Identifiers: Orphanet 2462, MedGen C1321551, MONDO:0008426, OMIM 182212.
Familial thoracic aortic aneurysm and aortic dissection (TAAD). Also called: Thoracic aortic aneurysms and dissections. Identifiers: Orphanet 91387, MedGen C4707243, MONDO:0019625.

Submissions (2):

Ambry Genetics
Classification: Uncertain significance for Familial thoracic aortic aneurysm and aortic dissection. Last evaluated: 2025-12-10. Review status: criteria provided, single submitter. Criteria: Ambry Variant Classification Scheme 2023. Collection method: clinical testing. Allele origin: germline.
Comment: The p.P433L variant (also known as c.1298C>T), located in coding exon 4 of the SKI gene, results from a C to T substitution at nucleotide position 1298. The proline at codon 433 is replaced by leucine, an amino acid with similar properties. This amino acid position is conserved. In addition, the in silico prediction for this alteration is inconclusive. Based on the available evidence, the clinical significance of this variant remains unclear.

Labcorp Genetics (formerly Invitae), Labcorp
Classification: Uncertain significance for Shprintzen-Goldberg syndrome. Last evaluated: 2022-08-15. Review status: criteria provided, single submitter. Criteria: Invitae Variant Classification Sherloc (09022015). Collection method: clinical testing. Allele origin: germline.
Comment: In summary, the available evidence is currently insufficient to determine the role of this variant in disease. Therefore, it has been classified as a Variant of Uncertain Significance. Advanced modeling of protein sequence and biophysical properties (such as structural, functional, and spatial information, amino acid conservation, physicochemical variation, residue mobility, and thermodynamic stability) performed at Invitae indicates that this missense variant is not expected to disrupt SKI protein function. ClinVar contains an entry for this variant (Variation ID: 1494541). This variant has not been reported in the literature in individuals affected with SKI-related conditions. This variant is not present in population databases (gnomAD no frequency). This sequence change replaces proline, which is neutral and non-polar, with leucine, which is neutral and non-polar, at codon 433 of the SKI protein (p.Pro433Leu).

NM_003036.4(SKI):c.1298C>T (p.Pro433Leu)

Gene: SKI (SKI proto-oncogene; plus strand). Cytogenetic location: 1p36.32.
Variant type: single nucleotide variant.
Coding change: c.1298C>T on transcript NM_003036.4 (MANE Select); coding-DNA position 1298, C replaced by T.
Protein change: p.Pro433Leu; replaces proline 433 with leucine.
Molecular consequence: missense variant.
Genome position (GRCh38, 1-based): chr1:2,303,926, C>T. VCF-style: chr1-2303926-C-T. GRCh37 (hg19) VCF-style: chr1-2235365-C-T.
Other names: c.1298C>T (NM_003036.3); short protein forms P433L.
Identifiers: ClinVar variation 1494541 (VCV001494541.7), dbSNP rs748787050, ClinGen allele CA337955067.